The following is an entry in ClinVar:

ClinVar aggregate classification (germline): Likely pathogenic (1 of 4 stars; one submission).

Conditions:
Tay-Sachs disease (TSD). Also called: HEXA DEFICIENCY; HEXA Disorders; GM2 gangliosidosis, type 1; Hexosaminidase alpha-subunit deficiency (variant B); Sphingolipidosis, Tay-Sachs; Hexosaminidase A Deficiency. Identifiers: Orphanet 845, MedGen C0039373, MONDO:0010100, OMIM 272800.

Submission:

Natera, Inc.
Classification: Likely pathogenic for Tay-Sachs disease. Last evaluated: 2024-10-10. Review status: criteria provided, single submitter. Criteria: Natera Variant Classification Schema (03/2026). Collection method: clinical testing. Allele origin: germline.
Comment: The c.1374T>A variant in HEXA is a nonsense variant predicted to introduce a stop codon at amino acid 458. This variant is expected to result in nonsense mediated decay, truncation, or a dysfunctional protein product. This variant is rare in the general population with a frequency below the threshold expected for the associated phenotype(s). Given the available evidence, this variant is classified as Likely Pathogenic.

NM_000520.6(HEXA):c.1374T>A (p.Cys458Ter)

Gene: HEXA (hexosaminidase subunit alpha; minus strand). Cytogenetic location: 15q23.
Variant type: single nucleotide variant.
Coding change: c.1374T>A on transcript NM_000520.6 (MANE Select); coding-DNA position 1374, T replaced by A.
Protein change: p.Cys458Ter; replaces cysteine 458 with a stop codon.
Molecular consequence: nonsense. On other transcripts: non-coding transcript variant (1).
Genome position (GRCh38, 1-based): chr15:72,346,282, A>T on the plus strand (T>A on the coding strand, the complement: HEXA is on the minus strand). VCF-style: chr15-72346282-A-T. GRCh37 (hg19) VCF-style: chr15-72638623-A-T.
Other names: c.1407T>A, p.Cys469Ter (NM_001318825.2); short protein forms C458*, C469*.
Identifiers: ClinVar variation 4818719 (VCV004818719.1).